The following is an entry in ClinVar:

NM_001243925.2(MAPKAPK3):c.915+5G>A

Gene: MAPKAPK3 (MAPK activated protein kinase 3; plus strand). Cytogenetic location: 3p21.2.
Variant type: single nucleotide variant.
Coding change: c.915+5G>A on transcript NM_001243925.2 (MANE Select); 5 bases into the intron after coding-DNA position 915, G replaced by A.
Molecular consequence: intron variant.
Genome position (GRCh38, 1-based): chr3:50,646,830, G>A. VCF-style: chr3-50646830-G-A. GRCh37 (hg19) VCF-style: chr3-50684261-G-A.
Other names: c.915+5G>A (NM_001243926.2, NM_004635.5).
Identifiers: ClinVar variation 4725836 (VCV004725836.1).

ClinVar aggregate classification (germline): Uncertain significance (1 of 4 stars; one submission).

gnomAD v4.1: 1 of 1,613,864 alleles (0.000062%); highest among the groups gnomAD compares: Non-Finnish European, 0.000085%; no homozygotes.

Submission:

Labcorp Genetics (formerly Invitae), Labcorp
Classification: Uncertain significance. Last evaluated: 2025-08-22. Review status: criteria provided, single submitter. Criteria: Invitae Variant Classification Sherloc (09022015). Collection method: clinical testing. Allele origin: germline.
Comment: This sequence change falls in intron 11 of the MAPKAPK3 gene. It does not directly change the encoded amino acid sequence of the MAPKAPK3 protein. It affects a nucleotide within the consensus splice site. This variant is not present in population databases (gnomAD no frequency). This variant has not been reported in the literature in individuals affected with MAPKAPK3-related conditions. Variants that disrupt the consensus splice site are a relatively common cause of aberrant splicing (PMID: 17576681, 9536098). Algorithms developed to predict the effect of sequence changes on RNA splicing suggest that this variant may disrupt the consensus splice site. In summary, the available evidence is currently insufficient to determine the role of this variant in disease. Therefore, it has been classified as a Variant of Uncertain Significance.

Literature cited by the submitters: PubMed 17576681; PubMed 9536098.